The following is an entry in ClinVar:

ClinVar aggregate classification (germline): Uncertain significance. Review status: reviewed by expert panel (3 of 4 stars). 4 submissions from 4 submitters: Uncertain significance (1). 3 of the submissions do not count toward it. Last evaluated 2025-05-19.

Conditions:
Familial adenomatous polyposis 1 (FAP1). Also called: POLYPOSIS, ADENOMATOUS INTESTINAL; FAMILIAL ADENOMATOUS POLYPOSIS 1, ATTENUATED. Identifiers: MedGen C2713442, MONDO:0021056, OMIM 175100. Disease mechanism: loss of function.
Hereditary cancer-predisposing syndrome. Also called: Hereditary Cancer Syndrome; Hereditary neoplastic syndrome; Neoplastic Syndromes, Hereditary; Tumor predisposition. Identifiers: Orphanet 140162, MedGen C0027672, MeSH D009386, MONDO:0015356.
Classic or attenuated familial adenomatous polyposis. Identifiers: MedGen CN372698, MONDO:0021057.

Submissions (4):

ClinGen InSiGHT Hereditary Colorectal Cancer/Polyposis Variant Curation Expert Panel
Classification: Uncertain significance for Classic or attenuated familial adenomatous polyposis. Last evaluated: 2025-05-19. Review status: reviewed by expert panel. Criteria: ClinGen InSiGHT HCCP VCEP ACMG Specifications APC V1. Collection method: curation. Allele origin: germline. Inheritance: Autosomal dominant inheritance.
Comment: The NM_000038.6(APC):c.8446C>T (p.Arg2816Ter) variant in APC is a nonsense variant located downstream of codon 2645, therefore PVS1 is not applicable based on the ACMG/AMP criteria specified by the ClinGen InSiGHT Hereditary Colorectal Cancer/Polyposis VCEP (HCCP VCEP). This variant is absent from gnomAD v2.1.1 (PM2_Supporting). This variant has been reported in two individuals without a colorectal cancer/polyposis associated phenotype worth 1 healthy individual point in total (BS2 not met; internal data Labcorp Genetics (formerly Invitae) and Ambry). In summary, this variant is a variant of uncertain significance (VUS) for autosomal-dominant inherited FAP based on the ACMG/AMP criteria applied, as specified by the HCCP VCEP: criteria PM2_Supporting applied (VCEP specifications version v2.1.0; date of approval 11/24/2023).

Ambry Genetics
Classification: Likely pathogenic for Hereditary cancer-predisposing syndrome. Last evaluated: 2026-09-11. Review status: criteria provided, single submitter. Criteria: Ambry Variant Classification Scheme 2023. Collection method: clinical testing. Allele origin: germline. Not counted in ClinVar's aggregate classification.
Comment: The p.R2816* variant (also known as c.8446C>T), located in coding exon 15 of the APC gene, results from a C to T substitution at nucleotide position 8446. This changes the amino acid from an arginine to a stop codon within coding exon 15. This alteration occurs at the 3' terminus of theAPC gene, is not expected to trigger nonsense-mediated mRNA decay, and only impacts the last 1% of the protein. However, premature stop codons are typically deleterious in nature and the impacted region is critical for protein function (Ambry internal data). This variant is considered to be rare based on population cohorts in the Genome Aggregation Database (gnomAD). Based on the majority of available evidence to date, this variant is likely to be pathogenic.

Color Diagnostics, LLC DBA Color Health
Classification: Uncertain significance for Hereditary cancer-predisposing syndrome. Last evaluated: 2023-06-13. Review status: criteria provided, single submitter. Criteria: ACMG Guidelines, 2015. Collection method: clinical testing. Allele origin: germline. Not counted in ClinVar's aggregate classification.
Comment: This variant changes 1 nucleotide in exon 16 of the APC gene, creating a premature translation stop signal in the last coding exon. This mutant transcript is predicted to escape nonsense-mediated decay and be expressed as a truncated protein that impacts the HDLG binding domain (PMID: 11257105,17881494), but the effect of this on function is unknown. To our knowledge, this variant has not been reported in individuals affected with APC-related disorders in the literature. This variant has not been identified in the general population by the Genome Aggregation Database (gnomAD). Loss of APC function is a known mechanism of disease. The available evidence is insufficient to determine the role of this variant in disease conclusively. Therefore, this variant is classified as a Variant of Uncertain Significance.

Labcorp Genetics (formerly Invitae), Labcorp
Classification: Uncertain significance for Familial adenomatous polyposis 1. Last evaluated: 2023-05-19. Review status: criteria provided, single submitter. Criteria: Invitae Variant Classification Sherloc (09022015). Collection method: clinical testing. Allele origin: germline. Not counted in ClinVar's aggregate classification.
Comment: This variant is not present in population databases (gnomAD no frequency). This sequence change creates a premature translational stop signal (p.Arg2816*) in the APC gene. While this is not anticipated to result in nonsense mediated decay, it is expected to disrupt the last 28 amino acid(s) of the APC protein. This variant has not been reported in the literature in individuals affected with APC-related conditions. In summary, the available evidence is currently insufficient to determine the role of this variant in disease. Therefore, it has been classified as a Variant of Uncertain Significance. Experimental studies and prediction algorithms are not available or were not evaluated, and the functional significance of this variant is currently unknown.

Literature cited by the submitters: PubMed 11257105 (cited by Color Diagnostics, LLC DBA Color Health); PubMed 17881494 (cited by Color Diagnostics, LLC DBA Color Health).

NM_000038.6(APC):c.8446C>T (p.Arg2816Ter)

Gene: APC (APC regulator of Wnt signaling pathway; plus strand). Cytogenetic location: 5q22.2.
Variant type: single nucleotide variant.
Coding change: c.8446C>T on transcript NM_000038.6 (MANE Select); coding-DNA position 8446, C replaced by T.
Protein change: p.Arg2816Ter; replaces arginine 2816 with a stop codon.
Molecular consequence: nonsense. On other transcripts: non-coding transcript variant (2).
Genome position (GRCh38, 1-based): chr5:112,844,040, C>T. VCF-style: chr5-112844040-C-T. GRCh37 (hg19) VCF-style: chr5-112179737-C-T.
Other names: NM_000038.6(APC):c.8446C>T; p.Arg2816Ter; c.8446C>T, p.Arg2816Ter (NM_001127510.3, NM_001354895.2, NM_001407450.1); c.8392C>T, p.Arg2798Ter (NM_001127511.3); c.8500C>T, p.Arg2834Ter (NM_001354896.2, NM_001407447.1, NM_001407448.1 and 1 more transcripts); c.8476C>T, p.Arg2826Ter (NM_001354897.2); c.8371C>T, p.Arg2791Ter (NM_001354898.2); c.8362C>T, p.Arg2788Ter (NM_001354899.2); and 13 more; short protein forms R2725*, R2733*, R2690*, R2775*, R2788*, R2816*, R2809*, R2826*.
Identifiers: ClinVar variation 2562354 (VCV002562354.8), dbSNP rs781229935, ClinGen allele CA16039654.